The following is an entry in ClinVar:

NM_001943.5(DSG2):c.1141A>T (p.Asn381Tyr)

Gene: DSG2 (desmoglein 2; plus strand). Cytogenetic location: 18q12.1.
Variant type: single nucleotide variant.
Coding change: c.1141A>T on transcript NM_001943.5 (MANE Select); coding-DNA position 1141, A replaced by T.
Protein change: p.Asn381Tyr; replaces asparagine 381 with tyrosine.
Molecular consequence: missense variant.
Genome position (GRCh38, 1-based): chr18:31,531,113, A>T. VCF-style: chr18-31531113-A-T. GRCh37 (hg19) VCF-style: chr18-29111076-A-T.
Other names: short protein forms N381Y.
Identifiers: ClinVar variation 4710455 (VCV004710455.1).

ClinVar aggregate classification (germline): Uncertain significance (1 of 4 stars; one submission).

Conditions:
Arrhythmogenic right ventricular dysplasia 10. Also called: Arrhythmogenic Right Ventricular Dysplasia/Cardiomyopathy10; ARRHYTHMOGENIC RIGHT VENTRICULAR DYSPLASIA, FAMILIAL, 10; Arrhythmogenic right ventricular dysplasia/cardiomyopathy, type 10. Identifiers: MedGen C1857777, MONDO:0012434, OMIM 610193.

Submission:

Labcorp Genetics (formerly Invitae), Labcorp
Classification: Uncertain significance for Arrhythmogenic right ventricular dysplasia 10. Last evaluated: 2025-02-26. Review status: criteria provided, single submitter. Criteria: Invitae Variant Classification Sherloc (09022015). Collection method: clinical testing. Allele origin: germline.
Comment: This sequence change replaces asparagine, which is neutral and polar, with tyrosine, which is neutral and polar, at codon 381 of the DSG2 protein (p.Asn381Tyr). This variant is not present in population databases (gnomAD no frequency). This variant has not been reported in the literature in individuals affected with DSG2-related conditions. Invitae Evidence Modeling of protein sequence and biophysical properties (such as structural, functional, and spatial information, amino acid conservation, physicochemical variation, residue mobility, and thermodynamic stability) has been performed for this missense variant. However, the output from this modeling did not meet the statistical confidence thresholds required to predict the impact of this variant on DSG2 protein function. In summary, the available evidence is currently insufficient to determine the role of this variant in disease. Therefore, it has been classified as a Variant of Uncertain Significance.